The following is an entry in ClinVar:

ClinVar aggregate classification (germline): Likely benign. Review status: criteria provided, multiple submitters, no conflicts (2 of 4 stars). 4 submissions from 4 submitters: Likely benign (4). Last evaluated 2025-03-24.

Conditions:
Hereditary cancer-predisposing syndrome. Also called: Hereditary Cancer Syndrome; Hereditary neoplastic syndrome; Neoplastic Syndromes, Hereditary; Tumor predisposition. Identifiers: Orphanet 140162, MedGen C0027672, MeSH D009386, MONDO:0015356.
Hereditary breast ovarian cancer syndrome. Also called: Hereditary breast and ovarian cancer syndrome; BRCA1- and BRCA2-Associated Hereditary Breast and Ovarian Cancer; Hereditary breast and ovarian cancer; Hereditary breast and/or ovarian cancer syndrome; Hereditary breast and ovarian cancer syndrome (HBOC); Breast and ovarian cancer. Identifiers: Orphanet 145, MedGen C0677776, MeSH D061325, MONDO:0003582. Disease mechanism: loss of function.

Allele frequency attached by ClinVar (database versions not stated): gnomAD exomes below 0.00001.
gnomAD v4.1: 2 of 1,614,240 alleles (0.00012%); highest among the groups gnomAD compares: Non-Finnish European, 0.00017%; no homozygotes.

Submissions (4):

Color Diagnostics, LLC DBA Color Health
Classification: Likely benign for Hereditary cancer-predisposing syndrome. Last evaluated: 2025-03-24. Review status: criteria provided, single submitter. Criteria: ACMG Guidelines, 2015. Collection method: clinical testing. Allele origin: germline.

Labcorp Genetics (formerly Invitae), Labcorp
Classification: Likely benign for Hereditary breast ovarian cancer syndrome. Last evaluated: 2025-01-12. Review status: criteria provided, single submitter. Criteria: Invitae Variant Classification Sherloc (09022015). Collection method: clinical testing. Allele origin: germline.

Ambry Genetics
Classification: Likely benign for Hereditary cancer-predisposing syndrome. Last evaluated: 2019-11-21. Review status: criteria provided, single submitter. Criteria: Ambry Variant Classification Scheme 2023. Collection method: clinical testing. Allele origin: germline.

GeneDx
Classification: Likely benign. Last evaluated: 2016-07-08. Review status: criteria provided, single submitter. Criteria: GeneDx Variant Classification (06012015). Collection method: clinical testing. Allele origin: germline. Affected: yes.
Comment: This variant is considered likely benign or benign based on one or more of the following criteria: it is a conservative change, it occurs at a poorly conserved position in the protein, it is predicted to be benign by multiple in silico algorithms, and/or has population frequency not consistent with disease.

NM_000059.4(BRCA2):c.7530G>A (p.Leu2510=)

Gene: BRCA2 (BRCA2 DNA repair associated; plus strand). Cytogenetic location: 13q13.1.
Variant type: single nucleotide variant.
Coding change: c.7530G>A on transcript NM_000059.4 (MANE Select); coding-DNA position 7530, G replaced by A.
Protein change: p.Leu2510=; no amino-acid change (leucine 2510 retained).
Molecular consequence: synonymous variant.
Genome position (GRCh38, 1-based): chr13:32,356,522, G>A. VCF-style: chr13-32356522-G-A. GRCh37 (hg19) VCF-style: chr13-32930659-G-A.
Identifiers: ClinVar variation 387624 (VCV000387624.16), dbSNP rs1057522846, ClinGen allele CA16606816.
Genomic context (GRCh38, chr13:32,356,522, plus strand): 5'-ACAGGATATGCGAATTAAGAAGAAACAAAGGCAACGCGTCTTTCCACAGCCAGGCAGTCT[G>A]TATCTTGCAAAAACATCCACTCTGCCTCGAATCTCTCTGAAAGCAGCAGTAGGAGGCCAA-3'
Protein context (NP_000050.3, residues 2500-2520): RQRVFPQPGS[Leu2510=]YLAKTSTLPR